The following is an entry in ClinVar:

NM_017662.5(TRPM6):c.622C>A (p.Pro208Thr)

Gene: TRPM6 (transient receptor potential cation channel subfamily M member 6; minus strand). Cytogenetic location: 9q21.13.
Variant type: single nucleotide variant.
Coding change: c.622C>A on transcript NM_017662.5 (MANE Select); coding-DNA position 622, C replaced by A.
Protein change: p.Pro208Thr; replaces proline 208 with threonine.
Molecular consequence: missense variant.
Genome position (GRCh38, 1-based): chr9:74,834,045, G>T on the plus strand (C>A on the coding strand, the complement: TRPM6 is on the minus strand). VCF-style: chr9-74834045-G-T. GRCh37 (hg19) VCF-style: chr9-77448961-G-T.
Other names: c.607C>A, p.Pro203Thr (NM_001177310.2, NM_001177311.2); short protein forms P208T, P203T.
Identifiers: ClinVar variation 915014 (VCV000915014.11), dbSNP rs755626959, ClinGen allele CA5085104.

ClinVar aggregate classification (germline): Likely benign. Review status: criteria provided, multiple submitters, no conflicts (2 of 4 stars). 2 submissions from 2 submitters: Likely benign (2). Last evaluated 2026-01-26.

Conditions:
Intestinal hypomagnesemia 1. Also called: HYPOMAGNESEMIA, INTESTINAL, WITH SECONDARY HYPOCALCEMIA; HYPOMAGNESEMIC TETANY. Identifiers: Orphanet 30924, MedGen C1865974, MONDO:0011176, OMIM 602014.

Allele frequency attached by ClinVar (database versions not stated): gnomAD 0.00005 and 0.00006; TOPMed 0.00020; gnomAD exomes 0.00025.
gnomAD v4.1: 159 of 1,613,928 alleles (0.0099%); highest among the groups gnomAD compares: Admixed American, 0.26%; 1 homozygote.

Submissions (2):

Labcorp Genetics (formerly Invitae), Labcorp
Classification: Likely benign. Last evaluated: 2026-01-26. Review status: criteria provided, single submitter. Criteria: Invitae Variant Classification Sherloc (09022015). Collection method: clinical testing. Allele origin: germline.

Illumina Laboratory Services, Illumina
Classification: Likely benign for Intestinal hypomagnesemia 1. Last evaluated: 2018-01-12. Review status: criteria provided, single submitter. Criteria: ICSL Variant Classification Criteria 13 December 2019. Collection method: clinical testing. Allele origin: germline.
Comment: This variant was observed in the ICSL laboratory as part of a predisposition screen in an ostensibly healthy population. It had not been previously curated by ICSL or reported in the Human Gene Mutation Database (HGMD: prior to June 1st, 2018), and was therefore a candidate for classification through an automated scoring system. Utilizing variant allele frequency, disease prevalence and penetrance estimates, and inheritance mode, an automated score was calculated to assess if this variant is too frequent to cause the disease. Based on the score and internal cut-off values, a variant classified as likely benign is not then subjected to further curation. The score for this variant resulted in a classification of likely benign for this disease.